The following is an entry in ClinVar:

ClinVar aggregate classification (germline): Likely benign. Review status: criteria provided, multiple submitters, no conflicts (2 of 4 stars). 3 submissions from 3 submitters: Likely benign (2). 1 of the submissions does not count toward it. Last evaluated 2025-10-26.

Conditions:
ATF6-related disorder. Also called: ATF6-related condition.

Allele frequency attached by ClinVar (database versions not stated): ExAC 0.00002; gnomAD exomes 0.00006; gnomAD 0.00013; TOPMed 0.00014; ESP Exome Variant Server 0.00031.
gnomAD v4.1: 295 of 1,581,376 alleles (0.019%); highest among the groups gnomAD compares: Non-Finnish European, 0.023%; no homozygotes.

Submissions (3):

Labcorp Genetics (formerly Invitae), Labcorp
Classification: Likely benign. Last evaluated: 2025-10-26. Review status: criteria provided, single submitter. Criteria: Invitae Variant Classification Sherloc (09022015). Collection method: clinical testing. Allele origin: germline.

Blueprint Genetics
Classification: Likely benign. Last evaluated: 2024-11-05. Review status: criteria provided, single submitter. Criteria: ACMG Guidelines, 2015. Collection method: clinical testing. Allele origin: germline.

PreventionGenetics, part of Exact Sciences
Classification: Likely benign for ATF6-related condition. Last evaluated: 2020-07-30. Review status: no assertion criteria provided. Collection method: clinical testing. Allele origin: germline. Not counted in ClinVar's aggregate classification.
Comment: This variant is classified as likely benign based on ACMG/AMP sequence variant interpretation guidelines (Richards et al. 2015 PMID: 25741868, with internal and published modifications).

NM_007348.4(ATF6):c.248-9G>A

Gene: ATF6 (activating transcription factor 6; plus strand). Cytogenetic location: 1q23.3.
Variant type: single nucleotide variant.
Coding change: c.248-9G>A on transcript NM_007348.4 (MANE Select); 9 bases into the intron before coding-DNA position 248, G replaced by A.
Molecular consequence: intron variant.
Genome position (GRCh38, 1-based): chr1:161,783,981, G>A. VCF-style: chr1-161783981-G-A. GRCh37 (hg19) VCF-style: chr1-161753771-G-A.
Identifiers: ClinVar variation 727701 (VCV000727701.12), dbSNP rs373774181, ClinGen allele CA1214151.